The following is an entry in ClinVar:

NM_001039591.3(USP9X):c.4037dup (p.His1347fs)

Gene: USP9X (ubiquitin specific peptidase 9 X-linked; plus strand). Cytogenetic location: Xp11.4.
Variant type: Duplication.
Coding change: c.4037dup on transcript NM_001039591.3 (MANE Select); coding-DNA position 4037, one base duplicated (G; older notation c.4037dupG).
Protein change: p.His1347fs; shifts the reading frame from histidine 1347.
Molecular consequence: frameshift variant.
Genome position (GRCh38, 1-based): chrX:41,196,310, G duplicated; the last of 3 consecutive G bases (chrX:41,196,308-41,196,310); duplicating any one gives the same sequence. VCF-style (leftmost placement, unchanged base first): chrX-41196307-T-TG. GRCh37 (hg19) VCF-style: chrX-41055560-T-TG.
Other names: c.4037dup, p.His1347fs (NM_001039590.3); short protein forms H1347fs.
Identifiers: ClinVar variation 1217077 (VCV001217077.3), dbSNP rs2147188989, ClinGen allele CA2499226712.

ClinVar aggregate classification (germline): Pathogenic (1 of 4 stars; one submission).

Submission:

GeneDx
Classification: Pathogenic. Last evaluated: 2019-04-10. Review status: criteria provided, single submitter. Criteria: GeneDx Variant Classification Process June 2021. Collection method: clinical testing. Allele origin: germline. Affected: yes.
Comment: Frameshift variant predicted to result in protein truncation or nonsense mediated decay in a gene for which loss-of-function is a known mechanism of disease; Not observed in large population cohorts (Lek et al., 2016); Has not been previously published as pathogenic or benign to our knowledge